The following is an entry in ClinVar:

NM_000077.5(CDKN2A):c.150+5del

Gene: CDKN2A (cyclin dependent kinase inhibitor 2A; minus strand). Cytogenetic location: 9p21.3.
Variant type: Deletion.
Coding change: c.150+5del on transcript NM_000077.5 (MANE Select); 5 bases into the intron after coding-DNA position 150, one base deleted (G; older notation c.150+5delG).
Molecular consequence: intron variant. On other transcripts: frameshift variant (1).
Genome position (GRCh38, 1-based): chr9:21,974,673, C deleted on the plus strand (G on the coding strand, the reverse complement: CDKN2A is on the minus strand); the first of 3 consecutive C bases (chr9:21,974,673-21,974,675); deleting any one gives the same sequence. VCF-style (leftmost placement, unchanged base first): chr9-21974672-AC-A. GRCh37 (hg19) VCF-style: chr9-21974671-AC-A.
Other names: c.150+5delG (NM_000077.4); c.155del, p.Gly52fs (NM_058197.5); c.-3-3465del (NM_001363763.2); c.194-3465del (NM_058195.4); c.150+5del (NM_001195132.2); short protein forms G52fs.
Identifiers: ClinVar variation 819378 (VCV000819378.9), dbSNP rs1235245881, ClinGen allele CA645552593.

ClinVar aggregate classification (germline): Conflicting classifications of pathogenicity. Review status: criteria provided, conflicting classifications (1 of 4 stars). 3 submissions from 3 submitters: Likely pathogenic (1); Uncertain significance (2). Last evaluated 2025-07-25.

Conditions:
Familial melanoma. Also called: Hereditary melanoma; Hereditary cutaneous melanoma. Identifiers: Orphanet 618, MedGen C1512419, MONDO:0018961.
Hereditary cancer-predisposing syndrome. Also called: Tumor predisposition; Neoplastic Syndromes, Hereditary; Hereditary Cancer Syndrome; Hereditary neoplastic syndrome. Identifiers: Orphanet 140162, MedGen C0027672, MeSH D009386, MONDO:0015356.
Melanoma and neural system tumor syndrome. Also called: MELANOMA-ASTROCYTOMA SYNDROME. Identifiers: Orphanet 252206, MedGen C1835042, MONDO:0007967, OMIM 155755.

Submissions (3):

Ambry Genetics
Classification: Likely pathogenic for Hereditary cancer-predisposing syndrome. Last evaluated: 2025-07-25. Review status: criteria provided, single submitter. Criteria: Ambry Variant Classification Scheme 2023. Collection method: clinical testing. Allele origin: germline.
Comment: The c.150+5delG intronic variant, located in intron 1 of the CDKN2A gene, results from a deletion of one nucleotide within intron 1 of the CDKN2A gene. This nucleotide position is well conserved in available vertebrate species. In silico splice site analysis predicts that this alteration will weaken the native splice donor site. RNA studies have demonstrated that this alteration results in abnormal splicing in the set of samples tested (Ambry internal data). This variant is considered to be rare based on population cohorts in the Genome Aggregation Database (gnomAD). Based on the majority of available evidence to date, this variant is likely to be pathogenic.

Labcorp Genetics (formerly Invitae), Labcorp
Classification: Uncertain significance for Familial melanoma. Last evaluated: 2024-07-26. Review status: criteria provided, single submitter. Criteria: Invitae Variant Classification Sherloc (09022015). Collection method: clinical testing. Allele origin: germline.
Comment: This sequence change falls in intron 1 of the CDKN2A (p16INK4a) gene. It does not directly change the encoded amino acid sequence of the CDKN2A (p16INK4a) protein. It affects a nucleotide within the consensus splice site. This variant is not present in population databases (gnomAD no frequency). This variant has not been reported in the literature in individuals affected with CDKN2A (p16INK4a)-related conditions. ClinVar contains an entry for this variant (Variation ID: 819378). Variants that disrupt the consensus splice site are a relatively common cause of aberrant splicing (PMID: 17576681, 9536098). Algorithms developed to predict the effect of sequence changes on RNA splicing suggest that this variant may disrupt the consensus splice site. In summary, the available evidence is currently insufficient to determine the role of this variant in disease. Therefore, it has been classified as a Variant of Uncertain Significance.

Baylor Genetics
Classification: Uncertain significance for Melanoma and neural system tumor syndrome. Last evaluated: 2024-01-03. Review status: criteria provided, single submitter. Criteria: ACMG Guidelines, 2015. Collection method: clinical testing. Allele origin: unknown.

Literature cited by the submitters: PubMed 17576681 (cited by Labcorp Genetics (formerly Invitae), Labcorp); PubMed 9536098 (cited by Labcorp Genetics (formerly Invitae), Labcorp).